The following is an entry in ClinVar:

ClinVar aggregate classification (germline): Benign. Review status: criteria provided, multiple submitters, no conflicts (2 of 4 stars). 2 submissions from 2 submitters: Benign (2). Last evaluated 2018-06-19.

Allele frequency attached by ClinVar (database versions not stated): 1000 Genomes Project 0.11941; 1000 Genomes Project 30x 0.12133; TOPMed 0.19553; gnomAD 0.20962 and 0.21419.
gnomAD v4.1: 31,682 of 151,132 alleles (21%); highest among the groups gnomAD compares: Non-Finnish European, 28%; 3,987 homozygotes.

Submissions (2):

GeneDx
Classification: Benign. Last evaluated: 2018-06-19. Review status: criteria provided, single submitter. Criteria: GeneDx Variant Classification (06012015). Collection method: clinical testing. Allele origin: germline. Affected: yes.
Comment: This variant is considered likely benign or benign based on one or more of the following criteria: it is a conservative change, it occurs at a poorly conserved position in the protein, it is predicted to be benign by multiple in silico algorithms, and/or has population frequency not consistent with disease.

Breakthrough Genomics
Classification: Benign. Review status: criteria provided, single submitter. Criteria: ACMG Guidelines, 2015. Collection method: not provided. Allele origin: germline. Inheritance: Autosomal recessive inheritance. Affected: yes.

NM_014141.6(CNTNAP2):c.755-188A>T

Gene: CNTNAP2 (contactin associated protein 2; plus strand). Cytogenetic location: 7q35.
Variant type: single nucleotide variant.
Coding change: c.755-188A>T on transcript NM_014141.6 (MANE Select); 188 bases into the intron before coding-DNA position 755, A replaced by T.
Molecular consequence: intron variant.
Genome position (GRCh38, 1-based): chr7:147,120,791, A>T. VCF-style: chr7-147120791-A-T. GRCh37 (hg19) VCF-style: chr7-146817883-A-T.
Identifiers: ClinVar variation 679928 (VCV000679928.2), dbSNP rs34296005, ClinGen allele CA12524314.